The following is an entry in ClinVar:

ClinVar aggregate classification (germline): Uncertain significance (1 of 4 stars; one submission).

Conditions:
Hypertrophic cardiomyopathy. Also called: HYPERTROPHIC MYOCARDIOPATHY. Identifiers: Orphanet 217569, MedGen C0007194, MeSH D002312, MONDO:0005045, HP:0001639.

Submission:

Labcorp Genetics (formerly Invitae), Labcorp
Classification: Uncertain significance for Hypertrophic cardiomyopathy. Last evaluated: 2021-10-19. Review status: criteria provided, single submitter. Criteria: Invitae Variant Classification Sherloc (09022015). Collection method: clinical testing. Allele origin: germline.
Comment: In summary, the available evidence is currently insufficient to determine the role of this variant in disease. Therefore, it has been classified as a Variant of Uncertain Significance. Algorithms developed to predict the effect of missense changes on protein structure and function are either unavailable or do not agree on the potential impact of this missense change (SIFT: "Deleterious"; PolyPhen-2: "Probably Damaging"; Align-GVGD: "Class C0"). This variant has not been reported in the literature in individuals affected with TPM1-related conditions. This variant is not present in population databases (ExAC no frequency). This sequence change replaces glutamic acid with glycine at codon 96 of the TPM1 protein (p.Glu96Gly). The glutamic acid residue is highly conserved and there is a moderate physicochemical difference between glutamic acid and glycine.

NM_001018005.2(TPM1):c.287A>G (p.Glu96Gly)

Gene: TPM1 (tropomyosin 1; plus strand). Cytogenetic location: 15q22.2.
Variant type: single nucleotide variant.
Coding change: c.287A>G on transcript NM_001018005.2 (MANE Select); coding-DNA position 287, A replaced by G.
Protein change: p.Glu96Gly; replaces glutamic acid 96 with glycine.
Molecular consequence: missense variant.
Genome position (GRCh38, 1-based): chr15:63,057,031, A>G. VCF-style: chr15-63057031-A-G. GRCh37 (hg19) VCF-style: chr15-63349230-A-G.
Other names: c.287A>G, p.Glu96Gly (NM_000366.6, NM_001018004.2, NM_001018006.2 and 6 more transcripts); c.179A>G, p.Glu60Gly (NM_001018008.2, NM_001301289.2, NM_001330344.2 and 5 more transcripts); c.413A>G, p.Glu138Gly (NM_001365778.1); short protein forms E138G, E96G, E60G.
Identifiers: ClinVar variation 1497847 (VCV001497847.6), dbSNP rs2140907992, ClinGen allele CA392720792.